The following is an entry in ClinVar:

ClinVar aggregate classification (germline): Uncertain significance (1 of 4 stars; one submission).

Allele frequency attached by ClinVar (database versions not stated): gnomAD exomes below 0.00001.

Submission:

Labcorp Genetics (formerly Invitae), Labcorp
Classification: Uncertain significance. Last evaluated: 2021-04-10. Review status: criteria provided, single submitter. Criteria: Invitae Variant Classification Sherloc (09022015). Collection method: clinical testing. Allele origin: germline.
Comment: In summary, the available evidence is currently insufficient to determine the role of this variant in disease. Therefore, it has been classified as a Variant of Uncertain Significance. Advanced modeling of protein sequence and biophysical properties (such as structural, functional, and spatial information, amino acid conservation, physicochemical variation, residue mobility, and thermodynamic stability) performed at Invitae indicates that this missense variant is not expected to disrupt FAT4 protein function. This variant has not been reported in the literature in individuals with FAT4-related conditions. This variant is not present in population databases (ExAC no frequency). This sequence change replaces methionine with valine at codon 1744 of the FAT4 protein (p.Met1744Val). The methionine residue is moderately conserved and there is a small physicochemical difference between methionine and valine.

NM_001291303.3(FAT4):c.5230A>G (p.Met1744Val)

Gene: FAT4 (FAT atypical cadherin 4; plus strand). Cytogenetic location: 4q28.1.
Variant type: single nucleotide variant.
Coding change: c.5230A>G on transcript NM_001291303.3 (MANE Select); coding-DNA position 5230, A replaced by G.
Protein change: p.Met1744Val; replaces methionine 1744 with valine.
Molecular consequence: missense variant.
Genome position (GRCh38, 1-based): chr4:125,398,838, A>G. VCF-style: chr4-125398838-A-G. GRCh37 (hg19) VCF-style: chr4-126319993-A-G.
Other names: c.5230A>G, p.Met1744Val (NM_001291285.3, NM_024582.6); short protein forms M1744V.
Identifiers: ClinVar variation 1481182 (VCV001481182.8), dbSNP rs1472593009, ClinGen allele CA358119004.